The following is an entry in ClinVar:

NM_003738.5(PTCH2):c.1622C>T (p.Ala541Val)

Gene: PTCH2 (patched 2; minus strand). Cytogenetic location: 1p34.1.
Variant type: single nucleotide variant.
Coding change: c.1622C>T on transcript NM_003738.5 (MANE Select); coding-DNA position 1622, C replaced by T.
Protein change: p.Ala541Val; replaces alanine 541 with valine.
Molecular consequence: missense variant.
Genome position (GRCh38, 1-based): chr1:44,828,383, G>A on the plus strand (C>T on the coding strand, the complement: PTCH2 is on the minus strand). VCF-style: chr1-44828383-G-A. GRCh37 (hg19) VCF-style: chr1-45294055-G-A.
Other names: c.1622C>T, p.Ala541Val (NM_001166292.2); short protein forms A541V.
Identifiers: ClinVar variation 2200366 (VCV002200366.4), dbSNP rs2148876279, ClinGen allele CA340100463.

ClinVar aggregate classification (germline): Uncertain significance (1 of 4 stars; one submission).

Conditions:
Gorlin syndrome. Also called: Nevoid Basal Cell Carcinoma Syndrome; Basal cell nevus syndrome. Identifiers: Orphanet 377, MedGen C0004779, MONDO:0007187.

Submission:

Labcorp Genetics (formerly Invitae), Labcorp
Classification: Uncertain significance for Gorlin syndrome. Last evaluated: 2021-12-24. Review status: criteria provided, single submitter. Criteria: Invitae Variant Classification Sherloc (09022015). Collection method: clinical testing. Allele origin: germline.
Comment: In summary, the available evidence is currently insufficient to determine the role of this variant in disease. Therefore, it has been classified as a Variant of Uncertain Significance. Algorithms developed to predict the effect of missense changes on protein structure and function are either unavailable or do not agree on the potential impact of this missense change (SIFT: "Tolerated"; PolyPhen-2: "Possibly Damaging"; Align-GVGD: "Class C0"). This variant has not been reported in the literature in individuals affected with PTCH2-related conditions. This variant is not present in population databases (gnomAD no frequency). This sequence change replaces alanine, which is neutral and non-polar, with valine, which is neutral and non-polar, at codon 541 of the PTCH2 protein (p.Ala541Val).